The following is an entry in ClinVar:

ClinVar aggregate classification (germline): Uncertain significance. Review status: criteria provided, multiple submitters, no conflicts (2 of 4 stars). 2 submissions from 2 submitters: Uncertain significance (2). Last evaluated 2026-06-08.

Conditions:
Hereditary cancer-predisposing syndrome. Also called: Tumor predisposition; Neoplastic Syndromes, Hereditary; Hereditary Cancer Syndrome; Hereditary neoplastic syndrome. Identifiers: Orphanet 140162, MedGen C0027672, MeSH D009386, MONDO:0015356.
Tumor predisposition syndrome 3 (TPDS3). Also called: Glioma susceptibility 9; LONG TELOMERE SYNDROME, POT1-RELATED; POT1 Tumor Predisposition; Melanoma, cutaneous malignant, susceptibility to, 10. Identifiers: Orphanet 618, MedGen C4014476, MONDO:0014368, OMIM 615848.

Submissions (2):

Ambry Genetics
Classification: Uncertain significance for Hereditary cancer-predisposing syndrome. Last evaluated: 2026-06-08. Review status: criteria provided, single submitter. Criteria: Ambry Variant Classification Scheme 2023. Collection method: clinical testing. Allele origin: germline.
Comment: The p.Q214R variant (also known as c.641A>G), located in coding exon 5 of the POT1 gene, results from an A to G substitution at nucleotide position 641. The glutamine at codon 214 is replaced by arginine, an amino acid with highly similar properties. This amino acid position is conserved. In addition, this alteration is predicted to be tolerated by in silico analysis. Based on the available evidence, the clinical significance of this variant remains unclear.

Labcorp Genetics (formerly Invitae), Labcorp
Classification: Uncertain significance for Tumor predisposition syndrome 3. Last evaluated: 2021-11-17. Review status: criteria provided, single submitter. Criteria: Invitae Variant Classification Sherloc (09022015). Collection method: clinical testing. Allele origin: germline.
Comment: This sequence change replaces glutamine, which is neutral and polar, with arginine, which is basic and polar, at codon 214 of the POT1 protein (p.Gln214Arg). This variant is not present in population databases (gnomAD no frequency). This variant has not been reported in the literature in individuals affected with POT1-related conditions. Algorithms developed to predict the effect of missense changes on protein structure and function (SIFT, PolyPhen-2, Align-GVGD) all suggest that this variant is likely to be tolerated. In summary, the available evidence is currently insufficient to determine the role of this variant in disease. Therefore, it has been classified as a Variant of Uncertain Significance.

NM_015450.3(POT1):c.641A>G (p.Gln214Arg)

Gene: POT1 (protection of telomeres 1; minus strand). Cytogenetic location: 7q31.33.
Variant type: single nucleotide variant.
Coding change: c.641A>G on transcript NM_015450.3 (MANE Select); coding-DNA position 641, A replaced by G.
Protein change: p.Gln214Arg; replaces glutamine 214 with arginine.
Molecular consequence: missense variant. On other transcripts: non-coding transcript variant (3).
Genome position (GRCh38, 1-based): chr7:124,859,018, T>C on the plus strand (A>G on the coding strand, the complement: POT1 is on the minus strand). VCF-style: chr7-124859018-T-C. GRCh37 (hg19) VCF-style: chr7-124499072-T-C.
Other names: c.641A>G (NM_015450.2); c.248A>G, p.Gln83Arg (NM_001042594.2); short protein forms Q214R, Q83R.
Identifiers: ClinVar variation 1490841 (VCV001490841.7), dbSNP rs2116525724, ClinGen allele CA369056291.